The following is an entry in ClinVar:

ClinVar aggregate classification (germline): Pathogenic (1 of 4 stars; one submission).

Conditions:
Hereditary cancer-predisposing syndrome. Also called: Neoplastic Syndromes, Hereditary; Tumor predisposition; Hereditary Cancer Syndrome; Hereditary neoplastic syndrome. Identifiers: Orphanet 140162, MedGen C0027672, MeSH D009386, MONDO:0015356.

Submission:

Ambry Genetics
Classification: Pathogenic for Hereditary cancer-predisposing syndrome. Last evaluated: 2019-01-11. Review status: criteria provided, single submitter. Criteria: Ambry Variant Classification Scheme 2023. Collection method: clinical testing. Allele origin: germline.
Comment: The c.814delA variant, located in coding exon 8 of the RB1 gene, results from a deletion of one nucleotide at position 814, causing a translational frameshift with a predicted alternate stop codon (p.R272Efs*14). This alteration is expected to result in loss of function by premature protein truncation or nonsense-mediated mRNA decay. As such, this alteration is interpreted as a disease-causing mutation.

NM_000321.3(RB1):c.814del (p.Arg272fs)

Gene: RB1 (RB transcriptional corepressor 1; plus strand). Cytogenetic location: 13q14.2.
Variant type: Deletion.
Coding change: c.814del on transcript NM_000321.3 (MANE Select); coding-DNA position 814, one base deleted (A; older notation c.814delA).
Protein change: p.Arg272fs; shifts the reading frame from arginine 272.
Molecular consequence: frameshift variant.
Genome position (GRCh38, 1-based): chr13:48,362,910, A deleted; the last of 2 consecutive A bases (chr13:48,362,909-48,362,910); deleting either gives the same sequence. VCF-style (leftmost placement, unchanged base first): chr13-48362908-CA-C. GRCh37 (hg19) VCF-style: chr13-48937044-CA-C.
Other names: c.814delA, p.Arg272Glufs (NM_001407165.1, NM_001407166.1); short protein forms R272fs.
Identifiers: ClinVar variation 1762186 (VCV001762186.2), dbSNP rs2542182238, ClinGen allele CA2580087727.